The following is an entry in ClinVar:

ClinVar aggregate classification (germline): Uncertain significance. Review status: criteria provided, multiple submitters, no conflicts (2 of 4 stars). 2 submissions from 2 submitters: Uncertain significance (2). Last evaluated 2025-02-02.

Conditions:
Hereditary cancer-predisposing syndrome. Also called: Hereditary Cancer Syndrome; Hereditary neoplastic syndrome; Tumor predisposition; Neoplastic Syndromes, Hereditary. Identifiers: Orphanet 140162, MedGen C0027672, MeSH D009386, MONDO:0015356.

Submissions (2):

Color Diagnostics, LLC DBA Color Health
Classification: Uncertain significance for Hereditary cancer-predisposing syndrome. Last evaluated: 2025-02-02. Review status: criteria provided, single submitter. Criteria: ACMG Guidelines, 2015. Collection method: clinical testing. Allele origin: germline.
Comment: This missense variant replaces leucine with valine at codon 822 of the MSH6 protein. Computational prediction suggests that this variant may have deleterious impact on protein structure and function (internally defined REVEL score threshold >= 0.7, PMID: 27666373). To our knowledge, functional studies have not been reported for this variant. This variant has not been reported in individuals affected with MSH6-related disorders in the literature. This variant has not been identified in the general population by the Genome Aggregation Database (gnomAD). The available evidence is insufficient to determine the role of this variant in disease conclusively. Therefore, this variant is classified as a Variant of Uncertain Significance.

Ambry Genetics
Classification: Uncertain significance for Hereditary cancer-predisposing syndrome. Last evaluated: 2020-02-04. Review status: criteria provided, single submitter. Criteria: Ambry Variant Classification Scheme 2023. Collection method: clinical testing. Allele origin: germline.
Comment: The p.L822V variant (also known as c.2464C>G), located in coding exon 4 of the MSH6 gene, results from a C to G substitution at nucleotide position 2464. The leucine at codon 822 is replaced by valine, an amino acid with highly similar properties. This amino acid position is highly conserved in available vertebrate species. In addition, this alteration is predicted to be deleterious by in silico analysis. Since supporting evidence is limited at this time, the clinical significance of this alteration remains unclear.

NM_000179.3(MSH6):c.2464C>G (p.Leu822Val)

Gene: MSH6 (mutS homolog 6; plus strand). Cytogenetic location: 2p16.3.
Variant type: single nucleotide variant.
Coding change: c.2464C>G on transcript NM_000179.3 (MANE Select); coding-DNA position 2464, C replaced by G.
Protein change: p.Leu822Val; replaces leucine 822 with valine.
Molecular consequence: missense variant.
Genome position (GRCh38, 1-based): chr2:47,800,447, C>G. VCF-style: chr2-47800447-C-G. GRCh37 (hg19) VCF-style: chr2-48027586-C-G.
Other names: c.2074C>G, p.Leu692Val (NM_001281492.2); c.1558C>G, p.Leu520Val (NM_001281493.2, NM_001281494.2, NM_001406811.1 and 6 more transcripts); c.2560C>G, p.Leu854Val (NM_001406795.1, NM_001406802.1); c.2464C>G, p.Leu822Val (NM_001406796.1, NM_001406798.1, NM_001406800.1 and 2 more transcripts); c.2167C>G, p.Leu723Val (NM_001406797.1, NM_001406801.1, NM_001406805.1 and 10 more transcripts); c.1939C>G, p.Leu647Val (NM_001406799.1, NM_001406806.1, NM_001406807.1); c.2386C>G, p.Leu796Val (NM_001406804.1); c.2470C>G, p.Leu824Val (NM_001406813.1); and 1 more; short protein forms L723V, L796V, L520V, L647V, L766V, L822V, L692V, L824V.
Identifiers: ClinVar variation 1791671 (VCV001791671.3), dbSNP rs2104408143, ClinGen allele CA346754096.